The following is an entry in ClinVar:

NM_003239.5(TGFB3):c.516+5C>T

Gene: TGFB3 (transforming growth factor beta 3; minus strand). Cytogenetic location: 14q24.3.
Variant type: single nucleotide variant.
Coding change: c.516+5C>T on transcript NM_003239.5 (MANE Select); 5 bases into the intron after coding-DNA position 516, C replaced by T.
Molecular consequence: intron variant.
Genome position (GRCh38, 1-based): chr14:75,971,550, G>A on the plus strand (C>T on the coding strand, the complement: TGFB3 is on the minus strand). VCF-style: chr14-75971550-G-A. GRCh37 (hg19) VCF-style: chr14-76437893-G-A.
Other names: c.516+5C>T (NM_001329939.2, NM_001329938.2).
Identifiers: ClinVar variation 1000819 (VCV001000819.9), dbSNP rs2035292365, ClinGen allele CA487191399.

ClinVar aggregate classification (germline): Uncertain significance (1 of 4 stars; one submission).

Conditions:
Rienhoff syndrome. Also called: LOEYS-DIETZ SYNDROME 5. Identifiers: MedGen C3810012, MONDO:0014262, OMIM 615582.

Allele frequency attached by ClinVar (database versions not stated): gnomAD 0.00001; TOPMed 0.00001.
gnomAD v4.1: 1 of 1,614,002 alleles (0.000062%); highest among the groups gnomAD compares: Admixed American, 0.0017%; no homozygotes.

Submission:

Labcorp Genetics (formerly Invitae), Labcorp
Classification: Uncertain significance for Rienhoff syndrome. Last evaluated: 2025-12-09. Review status: criteria provided, single submitter. Criteria: Invitae Variant Classification Sherloc (09022015). Collection method: clinical testing. Allele origin: germline.
Comment: This sequence change falls in intron 2 of the TGFB3 gene. It does not directly change the encoded amino acid sequence of the TGFB3 protein. It affects a nucleotide within the consensus splice site. This variant is not present in population databases (gnomAD no frequency). This variant has not been reported in the literature in individuals affected with TGFB3-related conditions. ClinVar contains an entry for this variant (Variation ID: 1000819). Variants that disrupt the consensus splice site are a relatively common cause of aberrant splicing (PMID: 17576681, 9536098). Algorithms developed to predict the effect of sequence changes on RNA splicing suggest that this variant is not likely to affect RNA splicing. In summary, the available evidence is currently insufficient to determine the role of this variant in disease. Therefore, it has been classified as a Variant of Uncertain Significance.

Literature cited by the submitters: PubMed 17576681; PubMed 9536098.